The following is an entry in ClinVar:

NM_001429.4(EP300):c.6121C>T (p.Leu2041Phe)

Gene: EP300 (EP300 lysine acetyltransferase; plus strand). Cytogenetic location: 22q13.2.
Variant type: single nucleotide variant.
Coding change: c.6121C>T on transcript NM_001429.4 (MANE Select); coding-DNA position 6121, C replaced by T.
Protein change: p.Leu2041Phe; replaces leucine 2041 with phenylalanine.
Molecular consequence: missense variant.
Genome position (GRCh38, 1-based): chr22:41,177,832, C>T. VCF-style: chr22-41177832-C-T. GRCh37 (hg19) VCF-style: chr22-41573836-C-T.
Other names: c.6043C>T, p.Leu2015Phe (NM_001362843.2); short protein forms L2041F, L2015F.
Identifiers: ClinVar variation 4998496 (VCV004998496.1).
Genomic context (GRCh38, chr22:41,177,832, plus strand): 5'-CATGGTCAACCTTTGAACATGGCTCCACAACCAGGATTGGGCCAGGTAGGTATCAGCCCA[C>T]TCAAACCAGGCACTGTGTCTCAACAAGCCTTACAAAACCTTTTGCGGACTCTCAGGTCTC-3'
Protein context (NP_001420.2, residues 2031-2051): PGLGQVGISP[Leu2041Phe]KPGTVSQQAL

ClinVar aggregate classification (germline): Uncertain significance (1 of 4 stars; one submission).

Conditions:
EP300-related disorder. Also called: EP300-related condition; EP300-related disorders.

Submission:

PreventionGenetics, part of Exact Sciences
Classification: Uncertain significance for EP300-related condition. Last evaluated: 2025-12-09. Review status: criteria provided, single submitter. Criteria: ACMG Guidelines, 2015. Collection method: clinical testing. Allele origin: germline.
Comment: The EP300 c.6121C>T variant is predicted to result in the amino acid substitution p.Leu2041Phe. To our knowledge, this variant has not been reported in the literature. This variant is reported in 0.0033% of alleles in individuals of South Asian descent in gnomAD. At this time, the clinical significance of this variant is uncertain due to the absence of conclusive functional and genetic evidence.